The following is an entry in ClinVar:

NM_013436.5(NCKAP1):c.2165_2166delinsTT (p.Gly722Val)

Gene: NCKAP1 (NCK associated protein 1; minus strand). Cytogenetic location: 2q32.1.
Variant type: Indel.
Coding change: c.2165_2166delinsTT on transcript NM_013436.5 (MANE Select); coding-DNA positions 2165 to 2166, GG replaced by TT.
Protein change: p.Gly722Val; replaces glycine 722 with valine.
Molecular consequence: missense variant.
Genome position (GRCh38, 1-based): chr2:182,953,319-182,953,320, CC replaced by AA on the plus strand (GG replaced by TT on the coding strand, the reverse complement: NCKAP1 is on the minus strand). VCF-style: chr2-182953319-CC-AA. GRCh37 (hg19) VCF-style: chr2-183818047-CC-AA.
Other names: c.2183_2184delinsTT, p.Gly728Val (NM_205842.3); short protein forms G722V, G728V.
Identifiers: ClinVar variation 2662325 (VCV002662325.1), dbSNP rs2468588008, ClinGen allele CA2580060402.
Genomic context (GRCh38, chr2:182,953,319, plus strand): 5'-ACTTGTTAGAAGTTCTGAAGGTTTTGCAATTTCCTGTGTGGCTTGATTATACATAGTCAT[CC>AA]CAACAATTGACCTGGGAAGAAGGGATAGAAGAATAAGAAAAGCCTCTGACTTTTCCATTC-3'
Protein context (NP_038464.1, residues 712-732): LEIRFTKSIV[Gly722Val]MTMYNQATQE

ClinVar aggregate classification (germline): Uncertain significance (1 of 4 stars; one submission).

Submission:

GeneDx
Classification: Uncertain significance. Last evaluated: 2023-05-09. Review status: criteria provided, single submitter. Criteria: GeneDx Variant Classification Process June 2021. Collection method: clinical testing. Allele origin: germline. Affected: yes.
Comment: Not observed at significant frequency in large population cohorts (gnomAD); In silico analysis supports a deleterious effect on protein structure/function; Has not been previously published as pathogenic or benign to our knowledge